The following is an entry in ClinVar:

NM_000016.6(ACADM):c.32T>C (p.Val11Ala)

Gene: ACADM (acyl-CoA dehydrogenase medium chain; plus strand). Cytogenetic location: 1p31.1.
Variant type: single nucleotide variant.
Coding change: c.32T>C on transcript NM_000016.6 (MANE Select); coding-DNA position 32, T replaced by C.
Protein change: p.Val11Ala; replaces valine 11 with alanine.
Molecular consequence: missense variant. On other transcripts: intron variant (2).
Genome position (GRCh38, 1-based): chr1:75,728,402, T>C. VCF-style: chr1-75728402-T-C. GRCh37 (hg19) VCF-style: chr1-76194087-T-C.
Other names: c.44T>C, p.Val15Ala (NM_001127328.3); c.32T>C, p.Val11Ala (NM_001286043.2); c.10+3585T>C (NM_001286042.2); c.-268+3585T>C (NM_001286044.2); short protein forms V11A, V15A.
Identifiers: ClinVar variation 1715241 (VCV001715241.5), dbSNP rs2525551634, ClinGen allele CA340806748.

ClinVar aggregate classification (germline): Uncertain significance (1 of 4 stars; one submission).

Conditions:
Medium-chain acyl-coenzyme A dehydrogenase deficiency (ACADMD). Also called: MCADD; Medium chain acyl-CoA dehydrogenase deficiency; ACADM DEFICIENCY; MCAD Deficiency; MCADH DEFICIENCY; CARNITINE DEFICIENCY SECONDARY TO MEDIUM-CHAIN ACYL-CoA DEHYDROGENASE DEFICIENCY. Identifiers: Orphanet 42, MedGen C0220710, MONDO:0008721, OMIM 201450.

Submission:

Labcorp Genetics (formerly Invitae), Labcorp
Classification: Uncertain significance for Medium-chain acyl-coenzyme A dehydrogenase deficiency. Last evaluated: 2022-08-05. Review status: criteria provided, single submitter. Criteria: Invitae Variant Classification Sherloc (09022015). Collection method: clinical testing. Allele origin: germline.
Comment: In summary, the available evidence is currently insufficient to determine the role of this variant in disease. Therefore, it has been classified as a Variant of Uncertain Significance. Algorithms developed to predict the effect of sequence changes on RNA splicing suggest that this variant may disrupt the consensus splice site. Algorithms developed to predict the effect of missense changes on protein structure and function output the following: SIFT: "Tolerated"; PolyPhen-2: "Benign"; Align-GVGD: "Class C0". The alanine amino acid residue is found in multiple mammalian species, which suggests that this missense change does not adversely affect protein function. This variant has not been reported in the literature in individuals affected with ACADM-related conditions. This variant is not present in population databases (gnomAD no frequency). This sequence change replaces valine, which is neutral and non-polar, with alanine, which is neutral and non-polar, at codon 11 of the ACADM protein (p.Val11Ala).